The following is an entry in ClinVar:

ClinVar aggregate classification (germline): Uncertain significance (1 of 4 stars; one submission).

Allele frequency attached by ClinVar (database versions not stated): gnomAD exomes below 0.00001.
gnomAD v4.1: 1 of 1,552,880 alleles (0.000064%); highest among the groups gnomAD compares: East Asian, 0.0024%; no homozygotes.

Submission:

ARUP Laboratories, Molecular Genetics and Genomics, ARUP Laboratories
Classification: Uncertain significance. Last evaluated: 2020-04-01. Review status: criteria provided, single submitter. Criteria: ARUP Molecular Germline Variant Investigation Process. Collection method: clinical testing. Allele origin: germline.
Comment: The NOTCH3 c.4475A>C; p.Glu1492Ala variant, to our knowledge, is not reported in the medical literature or gene specific databases. This variant is also absent from general population databases (Exome Variant Server, Genome Aggregation Database), indicating it is not a common polymorphism. The glutamic acid at codon 1492 is highly conserved, but computational analyses (SIFT, PolyPhen-2) predict that this variant is tolerated. Most pathogenic NOTCH3 variants occur in exons 2-24 and either create or destroy a cysteine residue within an EGF-like domain (Rutten 2014). However, there are several amino acid substitutions not involving cysteine that may be disease-associated (Muino 2017). Although the p.Glu1492Ala does not occur within this critical region or involve a cysteine residue, due to its low population frequency its clinical significance is uncertain. References: Muino E et al. Systematic Review of Cysteine-Sparing NOTCH3 Missense Mutations in Patients with Clinical Suspicion of CADASIL. Int J Mol Sci. 2017 Sep 13;18(9). pii: E1964. Rutten JW et al. Interpretation of NOTCH3 mutations in the diagnosis of CADASIL. Expert Rev Mol Diagn. 2014 Jun;14(5):593-603.

NM_000435.3(NOTCH3):c.4475A>C (p.Glu1492Ala)

Gene: NOTCH3 (notch receptor 3; minus strand). Cytogenetic location: 19p13.12.
Variant type: single nucleotide variant.
Coding change: c.4475A>C on transcript NM_000435.3 (MANE Select); coding-DNA position 4475, A replaced by C.
Protein change: p.Glu1492Ala; replaces glutamic acid 1492 with alanine.
Molecular consequence: missense variant.
Genome position (GRCh38, 1-based): chr19:15,174,329, T>G on the plus strand (A>C on the coding strand, the complement: NOTCH3 is on the minus strand). VCF-style: chr19-15174329-T-G. GRCh37 (hg19) VCF-style: chr19-15285140-T-G.
Other names: short protein forms E1492A.
Identifiers: ClinVar variation 994119 (VCV000994119.8), dbSNP rs2046768843, ClinGen allele CA404501328.